The following is an entry in ClinVar:

NM_001105247.2(ARMC5):c.2256C>T (p.Phe752=)

Gene: ARMC5 (armadillo repeat containing 5; plus strand). Cytogenetic location: 16p11.2.
Variant type: single nucleotide variant.
Coding change: c.2256C>T on transcript NM_001105247.2 (MANE Select); coding-DNA position 2256, C replaced by T.
Protein change: p.Phe752=; no amino-acid change (phenylalanine 752 retained).
Molecular consequence: synonymous variant. On other transcripts: 3 prime UTR variant (1).
Genome position (GRCh38, 1-based): chr16:31,466,337, C>T. VCF-style: chr16-31466337-C-T. GRCh37 (hg19) VCF-style: chr16-31477658-C-T.
Other names: c.2541C>T, p.Phe847= (NM_001288767.2); c.2352C>T, p.Phe784= (NM_001301820.1); c.*1136C>T (NM_024742.2); c.2541C>T (NM_001288767.1).
Identifiers: ClinVar variation 791554 (VCV000791554.31), dbSNP rs200335852, ClinGen allele CA8030001.
Genomic context (GRCh38, chr16:31,466,337, plus strand): 5'-CCCTTGCCTCTATGAACCTCTGCTGGGCCCAGCCCCTGTCCCAGCTCCCGACCTGCACTT[C>T]CTGCTGGACTCAGGCCTCCAGCTCCCTGCCCAGCGAGCGGCCTCAGCCACCGCCTCCCCT-3'
Protein context (NP_001098717.1, residues 742-762): PAPVPAPDLH[Phe752=]LLDSGLQLPA

ClinVar aggregate classification (germline): Benign/Likely benign. Review status: criteria provided, multiple submitters, no conflicts (2 of 4 stars). 5 submissions from 5 submitters: Benign (3); Likely benign (2). Last evaluated 2026-07-16.

Conditions:
ARMC5-related disorder. Also called: ARMC5-related condition.

Allele frequency attached by ClinVar (database versions not stated): 1000 Genomes Project 0.00100; 1000 Genomes Project 30x 0.00109; TOPMed 0.00113; gnomAD 0.00121 and 0.00127; ExAC 0.00144; gnomAD exomes 0.00145; ESP Exome Variant Server 0.00168.

Submissions (5):

PreventionGenetics, part of Exact Sciences
Classification: Benign for ARMC5-related condition. Last evaluated: 2026-07-16. Review status: criteria provided, single submitter. Criteria: ACMG Guidelines, 2015. Collection method: clinical testing. Allele origin: germline.
Comment: This variant is classified as benign based on ACMG/AMP sequence variant interpretation guidelines (Richards et al. 2015 PMID: 25741868, with internal and published modifications).

CeGaT Center for Human Genetics Tuebingen
Classification: Likely benign. Last evaluated: 2025-03-01. Review status: criteria provided, single submitter. Criteria: CeGaT Center For Human Genetics Tuebingen Variant Classification Criteria Version 2. Collection method: clinical testing. Allele origin: germline. Affected: yes. Observed: 3 variant alleles.
Comment: ARMC5: BP4, BP7

Blueprint Genetics
Classification: Likely benign. Last evaluated: 2024-11-26. Review status: criteria provided, single submitter. Criteria: ACMG Guidelines, 2015. Collection method: clinical testing. Allele origin: germline.

Labcorp Genetics (formerly Invitae), Labcorp
Classification: Benign. Last evaluated: 2019-12-31. Review status: criteria provided, single submitter. Criteria: Invitae Variant Classification Sherloc (09022015). Collection method: clinical testing. Allele origin: germline.

Breakthrough Genomics
Classification: Benign. Review status: criteria provided, single submitter. Criteria: ACMG Guidelines, 2015. Collection method: not provided. Allele origin: germline. Inheritance: Autosomal dominant inheritance. Affected: yes.